The following is an entry in ClinVar:

ClinVar aggregate classification (germline): Conflicting classifications of pathogenicity. Review status: criteria provided, conflicting classifications (1 of 4 stars). 12 submissions from 11 submitters: Pathogenic (7); Likely pathogenic (4); Uncertain significance (1). Last evaluated 2026-01-21.

Conditions:
Autosomal recessive polycystic kidney disease (ARPKD). Also called: AR polycystic kidney disease. Identifiers: Orphanet 731, Orphanet 8378, MedGen C0085548, MeSH D017044, MONDO:0009889.
PKHD1-related disorder. Also called: PKHD1-related condition.
Polycystic kidney disease 4 (PKD4). Also called: PKD3; Autosomal Recessive Polycystic Kidney Disease – PKHD1; POLYCYSTIC KIDNEY DISEASE 4 WITH OR WITHOUT POLYCYSTIC LIVER DISEASE; POLYCYSTIC KIDNEY AND HEPATIC DISEASE 1; POLYCYSTIC KIDNEY DISEASE, INFANTILE, TYPE I. Identifiers: MedGen C4540575, MONDO:0033004, OMIM 263200.

Allele frequency attached by ClinVar (database versions not stated): gnomAD exomes below 0.00001 and 0.00001; ExAC 0.00002; gnomAD 0.00002; TOPMed 0.00003.
gnomAD v4.1: 8 of 1,612,344 alleles (0.0005%); highest among the groups gnomAD compares: Non-Finnish European, 0.00059%; no homozygotes.

Submissions (12):

Labcorp Genetics (formerly Invitae), Labcorp
Classification: Pathogenic for Autosomal recessive polycystic kidney disease. Last evaluated: 2026-01-21. Review status: criteria provided, single submitter. Criteria: Invitae Variant Classification Sherloc (09022015). Collection method: clinical testing. Allele origin: germline.
Comment: This sequence change replaces tryptophan, which is neutral and slightly polar, with glycine, which is neutral and non-polar, at codon 2736 of the PKHD1 protein (p.Trp2736Gly). This variant is present in population databases (rs764880309, gnomAD 0.003%). This missense change has been observed in individuals with polycystic kidney disease (PMID: 15805161, 19940839, 24009235; internal data). ClinVar contains an entry for this variant (Variation ID: 496527). Invitae Evidence Modeling of protein sequence and biophysical properties (such as structural, functional, and spatial information, amino acid conservation, physicochemical variation, residue mobility, and thermodynamic stability) indicates that this missense variant is expected to disrupt PKHD1 protein function with a positive predictive value of 95%. For these reasons, this variant has been classified as Pathogenic.

GeneDx
Classification: Likely pathogenic. Last evaluated: 2025-12-17. Review status: criteria provided, single submitter. Criteria: GeneDx Variant Classification Process June 2021. Collection method: clinical testing. Allele origin: germline. Affected: yes.
Comment: Not observed at significant frequency in large population cohorts (gnomAD); In silico analysis supports that this missense variant has a deleterious effect on protein structure/function; This variant is associated with the following publications: (PMID: 15805161, 19940839, 34958143, 24009235, 37535131, Henein2024[casereport], 35812281)

First Genomix Gene Laboratory, Genetic Diagnostics Department
Classification: Pathogenic for Polycystic kidney disease 4. Last evaluated: 2025-09-03. Review status: criteria provided, single submitter. Criteria: ACMG Guidelines, 2015. Collection method: clinical testing. Allele origin: germline. Inheritance: Autosomal recessive inheritance. Affected: no. Observed: 1 variant allele.

Natera, Inc.
Classification: Pathogenic for Autosomal recessive polycystic kidney disease. Last evaluated: 2025-06-27. Review status: criteria provided, single submitter. Criteria: Natera Variant Classification Schema (03/2026). Collection method: clinical testing. Allele origin: germline.
Comment: The c.8206T>G variant in PKHD1 is a missense variant predicted to cause substitution of tryptophan to glycine at amino acid 2736. This variant is rare in the general population with a frequency below the threshold expected for the associated phenotype(s). This variant has been observed in one or more individuals affected with the associated recessive disease, as either homozygous or compound heterozygous with a second variant (PMID: 19940839, 15805161, 34958143, 24009235, 39467534). Computational prediction algorithms indicate this variant is likely to affect gene or protein function. Given the available evidence, this variant is classified as Pathogenic.

Women's Health and Genetics/Laboratory Corporation of America, LabCorp
Classification: Pathogenic for Autosomal recessive polycystic kidney disease. Last evaluated: 2025-06-13. Review status: criteria provided, single submitter. Criteria: LabCorp Variant Classification Summary - May 2015. Collection method: clinical testing. Allele origin: germline.
Comment: Variant summary: PKHD1 c.8206T>G (p.Trp2736Gly) results in a non-conservative amino acid change in the encoded protein sequence. Algorithms developed to predict the effect of missense changes on protein structure and function all suggest that this variant is likely to be disruptive. The variant allele was found at a frequency of 1.2e-05 in 251266 control chromosomes. c.8206T>G has been observed in multiple compound heterozygous individuals and in at-least one fetus affected with Polycystic Kidney And Hepatic Disease (example: Sharp_2005, Denamur_2010, Freedman_2013, Ajiri_2022, Gabriel_2022). These data indicate that the variant is associated with disease. To our knowledge, no experimental evidence demonstrating an impact on protein function has been reported. The following publications have been ascertained in the context of this evaluation (PMID: 35812281, 24984783, 19940839, 24009235, 34958143, 15805161). ClinVar contains an entry for this variant (Variation ID: 496527). Based on the evidence outlined above, the variant was classified as pathogenic.

Victorian Clinical Genetics Services, Murdoch Childrens Research Institute
Classification: Pathogenic for Polycystic kidney disease 4. Last evaluated: 2024-10-10. Review status: criteria provided, single submitter. Criteria: ACMG Guidelines, 2015. Collection method: clinical testing. Allele origin: germline. Inheritance: Autosomal recessive inheritance. Affected: yes.
Comment: Based on the classification scheme VCGS_Germline_v1.3.5, this variant is classified as Pathogenic. Following criteria are met: 0102 - Loss of function is a known mechanism of disease in this gene and is associated with polycystic kidney disease 4, with or without hepatic disease (MIM#263200). (I) 0106 - This gene is associated with autosomal recessive disease; however, there are emerging reports of heterozygous carriers of PKHD1 variants developing liver cysts and nephrocalcinosis (PMID: 21945273, 36691356). (I) 0115 - Variants in this gene are known to have variable expressivity. Significant intrafamilial variability has been reported (PMID: 20301501). (I) 0200 - Variant is predicted to result in a missense amino acid change from tryptophan to glycine. (I) 0251 - This variant is heterozygous. (I) 0304 - Variant is present in gnomAD (v4) <0.01 (8 heterozygotes, 0 homozygote). (SP) 0501 - Missense variant consistently predicted to be damaging by multiple in silico tools or highly conserved with a major amino acid change. (SP) 0604 - Variant is not located in an established domain, motif, hotspot or informative constraint region. (I) 0708 - Other missense variants comparable to the one identified in this case have conflicting previous evidence for pathogenicity. p.(Trp2736Arg) has one likely pathogenic report and p.(Trp2736Ser) has one VUS report (ClinVar). (I) 0801 - This variant has strong previous evidence of pathogenicity in unrelated individuals. This variant has multiple pathogenic and likely pathogenic reports and has been associated with several unrelated affected individuals (ClinVar, PMIDs: 15805161, 19940839, 24009235, 38125876, 37535131, Heinen et al. (2024)). It also has two VUS reports in ClinVar, however, these entries predate the likely pathogenic/pathogenic reports in ClinVar and literature. (SP) 1007 - No published functional evidence has been identified for this variant. (I) 1208 - Inheritance information for this variant is not currently available in this individual. (I) Legend: (SP) - Supporting pathogenic, (I) - Information, (SB) - Supporting benign

Fulgent Genetics
Classification: Pathogenic for Polycystic kidney disease 4. Last evaluated: 2024-03-26. Review status: criteria provided, single submitter. Criteria: ACMG Guidelines, 2015. Collection method: clinical testing. Allele origin: germline.

Baylor Genetics
Classification: Likely pathogenic for Polycystic kidney disease 4. Last evaluated: 2024-02-03. Review status: criteria provided, single submitter. Criteria: ACMG Guidelines, 2015. Collection method: clinical testing. Allele origin: unknown.

Blueprint Genetics
Classification: Pathogenic for PKHD1-related disorders. Last evaluated: 2022-10-19. Review status: criteria provided, single submitter. Criteria: ACMG Guidelines, 2015. Collection method: clinical testing. Allele origin: germline. Affected: yes. Observed: 5 variant alleles.

Department of Pathology and Laboratory Medicine, Sinai Health System
Classification: Likely pathogenic for Polycystic kidney disease 4. Last evaluated: 2022-01-18. Review status: criteria provided, single submitter. Criteria: ACMG Guidelines, 2015. Collection method: clinical testing. Allele origin: germline.

CeGaT Center for Human Genetics Tuebingen
Classification: Likely pathogenic. Last evaluated: 2020-03-01. Review status: criteria provided, single submitter. Criteria: CeGaT Center For Human Genetics Tuebingen Variant Classification Criteria Version 2. Collection method: clinical testing. Allele origin: germline. Affected: yes. Observed: 6 variant alleles.

Fulgent Genetics
Classification: Uncertain significance for Polycystic kidney disease 4. Last evaluated: 2018-10-31. Review status: criteria provided, single submitter. Criteria: ACMG Guidelines, 2015. Collection method: clinical testing. Allele origin: unknown.

Literature cited by the submitters: PubMed 15805161 (cited by 5 submitters); PubMed 19940839 (cited by 5 submitters); PubMed 24009235 (cited by 4 submitters); PubMed 34958143 (cited by Natera, Inc. and Women's Health and Genetics/Laboratory Corporation of America, LabCorp); PubMed 39467534 (cited by Natera, Inc.); PubMed 24984783 (cited by Women's Health and Genetics/Laboratory Corporation of America, LabCorp); PubMed 35812281 (cited by Women's Health and Genetics/Laboratory Corporation of America, LabCorp); PubMed 20301501 (cited by Victorian Clinical Genetics Services, Murdoch Childrens Research Institute); PubMed 21945273 (cited by Victorian Clinical Genetics Services, Murdoch Childrens Research Institute); PubMed 36691356 (cited by Victorian Clinical Genetics Services, Murdoch Childrens Research Institute); PubMed 37535131 (cited by Victorian Clinical Genetics Services, Murdoch Childrens Research Institute); PubMed 38125876 (cited by Victorian Clinical Genetics Services, Murdoch Childrens Research Institute).

NM_138694.4(PKHD1):c.8206T>G (p.Trp2736Gly)

Gene: PKHD1 (PKHD1 ciliary IPT domain containing fibrocystin/polyductin; minus strand). Cytogenetic location: 6p12.2.
Variant type: single nucleotide variant.
Coding change: c.8206T>G on transcript NM_138694.4 (MANE Select); coding-DNA position 8206, T replaced by G.
Protein change: p.Trp2736Gly; replaces tryptophan 2736 with glycine.
Molecular consequence: missense variant.
Genome position (GRCh38, 1-based): chr6:51,830,957, A>C on the plus strand (T>G on the coding strand, the complement: PKHD1 is on the minus strand). VCF-style: chr6-51830957-A-C. GRCh37 (hg19) VCF-style: chr6-51695755-A-C.
Other names: c.8206T>G, p.Trp2736Gly (NM_170724.3); short protein forms W2736G.
Identifiers: ClinVar variation 496527 (VCV000496527.66), dbSNP rs764880309, ClinGen allele CA3851697.